The following is an entry in ClinVar:

NM_015087.5(SPART):c.1787A>G (p.Asn596Ser)

Gene: SPART (spartin; minus strand). Cytogenetic location: 13q13.3.
Variant type: single nucleotide variant.
Coding change: c.1787A>G on transcript NM_015087.5 (MANE Select); coding-DNA position 1787, A replaced by G.
Protein change: p.Asn596Ser; replaces asparagine 596 with serine.
Molecular consequence: missense variant.
Genome position (GRCh38, 1-based): chr13:36,304,579, T>C on the plus strand (A>G on the coding strand, the complement: SPART is on the minus strand). VCF-style: chr13-36304579-T-C. GRCh37 (hg19) VCF-style: chr13-36878716-T-C.
Other names: c.1787A>G (NM_015087.4); c.1787A>G, p.Asn596Ser (NM_001142294.2, NM_001142295.2, NM_001142296.2); short protein forms N596S.
Identifiers: ClinVar variation 2163963 (VCV002163963.5), dbSNP rs778454267, ClinGen allele CA6949279.
Genomic context (GRCh38, chr13:36,304,579, plus strand): 5'-GTTTTCTTCACCATTGCTTTGATACCAATGTTGTTAATATTGTAGGCAGTTACGCCAACA[T>C]TGACCGCAGAATCCACCGCATGGTGGGTAGCTTCTCCTGCATTATATCCGTATCTTTAAA-3'
Protein context (NP_055902.1, residues 586-606): ATHHAVDSAV[Asn596Ser]VGVTAYNINN

ClinVar aggregate classification (germline): Uncertain significance. Review status: criteria provided, multiple submitters, no conflicts (2 of 4 stars). 2 submissions from 2 submitters: Uncertain significance (2). Last evaluated 2024-01-03.

Conditions:
Inborn genetic diseases. Identifiers: MedGen C0950123, MeSH D030342.

Allele frequency attached by ClinVar (database versions not stated): TOPMed 0.00003; gnomAD 0.00004.
gnomAD v4.1: 19 of 1,614,138 alleles (0.0012%); highest among the groups gnomAD compares: African/African-American, 0.0053%; no homozygotes.

Submissions (2):

Ambry Genetics
Classification: Uncertain significance for Inborn genetic diseases. Last evaluated: 2024-01-03. Review status: criteria provided, single submitter. Criteria: Ambry Variant Classification Scheme 2023. Collection method: clinical testing. Allele origin: germline.

Labcorp Genetics (formerly Invitae), Labcorp
Classification: Uncertain significance. Last evaluated: 2022-05-06. Review status: criteria provided, single submitter. Criteria: Invitae Variant Classification Sherloc (09022015). Collection method: clinical testing. Allele origin: germline.
Comment: In summary, the available evidence is currently insufficient to determine the role of this variant in disease. Therefore, it has been classified as a Variant of Uncertain Significance. Algorithms developed to predict the effect of missense changes on protein structure and function are either unavailable or do not agree on the potential impact of this missense change (SIFT: "Deleterious"; PolyPhen-2: "Probably Damaging"; Align-GVGD: "Class C0"). This variant has not been reported in the literature in individuals affected with SPART-related conditions. This variant is present in population databases (rs778454267, gnomAD 0.01%). This sequence change replaces asparagine, which is neutral and polar, with serine, which is neutral and polar, at codon 596 of the SPART protein (p.Asn596Ser).